The following is an entry in ClinVar:

ClinVar aggregate classification (germline): Pathogenic/Likely pathogenic. Review status: criteria provided, multiple submitters, no conflicts (2 of 4 stars). 4 submissions from 4 submitters: Pathogenic (1); Likely pathogenic (2). 1 of the submissions does not count toward it. Last evaluated 2023-01-21.

Conditions:
Propionic acidemia (PROP). Also called: KETOTIC HYPERGLYCINEMIA; GLYCINEMIA, KETOTIC; HYPERGLYCINEMIA WITH KETOACIDOSIS AND LEUKOPENIA. Identifiers: Orphanet 35, MedGen C0268579, MONDO:0011628, OMIM 606054, HP:0003571.

Allele frequency attached by ClinVar (database versions not stated): gnomAD exomes below 0.00001; ExAC 0.00001; gnomAD 0.00001; TOPMed 0.00002.
gnomAD v4.1: 3 of 1,614,074 alleles (0.00019%); highest among the groups gnomAD compares: Admixed American, 0.0033%; no homozygotes.

Submissions (4):

Baylor Genetics
Classification: Likely pathogenic for Propionic acidemia. Last evaluated: 2023-01-21. Review status: criteria provided, single submitter. Criteria: ACMG Guidelines, 2015. Collection method: clinical testing. Allele origin: unknown.

Fulgent Genetics
Classification: Likely pathogenic for Propionic acidemia. Last evaluated: 2022-02-03. Review status: criteria provided, single submitter. Criteria: ACMG Guidelines, 2015. Collection method: clinical testing. Allele origin: unknown.

Labcorp Genetics (formerly Invitae), Labcorp
Classification: Pathogenic for Propionic acidemia. Last evaluated: 2022-01-27. Review status: criteria provided, single submitter. Criteria: Invitae Variant Classification Sherloc (09022015). Collection method: clinical testing. Allele origin: germline.
Comment: For these reasons, this variant has been classified as Pathogenic. Experimental studies have shown that this missense change affects PCCB function (PMID: 11749052, 12007220, 12757933, 15949719). Advanced modeling of protein sequence and biophysical properties (such as structural, functional, and spatial information, amino acid conservation, physicochemical variation, residue mobility, and thermodynamic stability) performed at Invitae indicates that this missense variant is expected to disrupt PCCB protein function. ClinVar contains an entry for this variant (Variation ID: 38880). This missense change has been observed in individual(s) with propionic acidemia (PMID: 12757933). This variant is present in population databases (rs202247822, gnomAD no frequency). This sequence change replaces leucine, which is neutral and non-polar, with proline, which is neutral and non-polar, at codon 519 of the PCCB protein (p.Leu519Pro).

GeneReviews
No classification provided. Condition: Propionic acidemia. Review status: no classification provided. Collection method: literature only. Allele origin: unknown. Not counted in ClinVar's aggregate classification.

Literature cited by the submitters: PubMed 11749052 (cited by Labcorp Genetics (formerly Invitae), Labcorp); PubMed 12007220 (cited by Labcorp Genetics (formerly Invitae), Labcorp); PubMed 12757933 (cited by Labcorp Genetics (formerly Invitae), Labcorp); PubMed 15949719 (cited by Labcorp Genetics (formerly Invitae), Labcorp); PubMed 22593918 (cited by GeneReviews); NCBI Bookshelf NBK92946 (cited by GeneReviews).

NM_000532.5(PCCB):c.1556T>C (p.Leu519Pro)

Gene: PCCB (propionyl-CoA carboxylase subunit beta; plus strand). Cytogenetic location: 3q22.3.
Variant type: single nucleotide variant.
Coding change: c.1556T>C on transcript NM_000532.5 (MANE Select); coding-DNA position 1556, T replaced by C.
Protein change: p.Leu519Pro; replaces leucine 519 with proline.
Molecular consequence: missense variant.
Genome position (GRCh38, 1-based): chr3:136,329,962, T>C. VCF-style: chr3-136329962-T-C. GRCh37 (hg19) VCF-style: chr3-136048804-T-C.
Other names: c.1616T>C, p.Leu539Pro (NM_001178014.2); short protein forms L519P, L539P.
Identifiers: ClinVar variation 38880 (VCV000038880.12), dbSNP rs202247822, ClinGen allele CA343141.